The following is an entry in ClinVar:

ClinVar aggregate classification (germline): Uncertain significance. Review status: criteria provided, multiple submitters, no conflicts (2 of 4 stars). 2 submissions from 2 submitters: Uncertain significance (2). Last evaluated 2022-07-21.

Conditions:
Inborn genetic diseases. Identifiers: MedGen C0950123, MeSH D030342.

Allele frequency attached by ClinVar (database versions not stated): TOPMed 0.00001.
gnomAD v4.1: 3 of 1,614,162 alleles (0.00019%); highest among the groups gnomAD compares: Admixed American, 0.0017%; no homozygotes.

Submissions (2):

Labcorp Genetics (formerly Invitae), Labcorp
Classification: Uncertain significance. Last evaluated: 2022-07-21. Review status: criteria provided, single submitter. Criteria: Invitae Variant Classification Sherloc (09022015). Collection method: clinical testing. Allele origin: germline.
Comment: Algorithms developed to predict the effect of missense changes on protein structure and function (SIFT, PolyPhen-2, Align-GVGD) all suggest that this variant is likely to be tolerated. This variant has not been reported in the literature in individuals affected with CLP1-related conditions. This variant is present in population databases (no rsID available, gnomAD 0.003%). This sequence change replaces valine, which is neutral and non-polar, with leucine, which is neutral and non-polar, at codon 401 of the CLP1 protein (p.Val401Leu). In summary, the available evidence is currently insufficient to determine the role of this variant in disease. Therefore, it has been classified as a Variant of Uncertain Significance.

Ambry Genetics
Classification: Uncertain significance for Inborn genetic diseases. Last evaluated: 2021-12-20. Review status: criteria provided, single submitter. Criteria: Ambry Variant Classification Scheme 2023. Collection method: clinical testing. Allele origin: germline.

NM_006831.3(CLP1):c.1201G>C (p.Val401Leu)

Gene: CLP1 (cleavage factor polyribonucleotide kinase subunit 1; plus strand). Cytogenetic location: 11q12.1.
Variant type: single nucleotide variant.
Coding change: c.1201G>C on transcript NM_006831.3 (MANE Select); coding-DNA position 1201, G replaced by C.
Protein change: p.Val401Leu; replaces valine 401 with leucine.
Molecular consequence: missense variant.
Genome position (GRCh38, 1-based): chr11:57,661,359, G>C. VCF-style: chr11-57661359-G-C. GRCh37 (hg19) VCF-style: chr11-57428831-G-C.
Other names: c.1009G>C, p.Val337Leu (NM_001142597.2); short protein forms V401L, V337L.
Identifiers: ClinVar variation 2073192 (VCV002073192.5), dbSNP rs780323215, ClinGen allele CA380700761.